The following is an entry in ClinVar:

ClinVar aggregate classification (germline): Uncertain significance (1 of 4 stars; one submission).

Conditions:
Landau-Kleffner syndrome (FESD). Also called: APHASIA, ACQUIRED, WITH EPILEPSY; EPILEPSY, FOCAL, WITH SPEECH DISORDER AND WITH OR WITHOUT MENTAL RETARDATION. Identifiers: Orphanet 1945, Orphanet 725, Orphanet 98818, MedGen C0282512, MONDO:0009509, OMIM 245570.

gnomAD v4.1: 1 of 1,613,760 alleles (0.000062%); highest among the groups gnomAD compares: East Asian, 0.0022%; no homozygotes.

Submission:

Labcorp Genetics (formerly Invitae), Labcorp
Classification: Uncertain significance for Landau-Kleffner syndrome. Last evaluated: 2023-06-06. Review status: criteria provided, single submitter. Criteria: Invitae Variant Classification Sherloc (09022015). Collection method: clinical testing. Allele origin: germline.
Comment: In summary, the available evidence is currently insufficient to determine the role of this variant in disease. Therefore, it has been classified as a Variant of Uncertain Significance. This sequence change replaces serine, which is neutral and polar, with tyrosine, which is neutral and polar, at codon 1291 of the GRIN2A protein (p.Ser1291Tyr). This variant is not present in population databases (gnomAD no frequency). This variant has not been reported in the literature in individuals affected with GRIN2A-related conditions. Advanced modeling of protein sequence and biophysical properties (such as structural, functional, and spatial information, amino acid conservation, physicochemical variation, residue mobility, and thermodynamic stability) has been performed at Invitae for this missense variant, however the output from this modeling did not meet the statistical confidence thresholds required to predict the impact of this variant on GRIN2A protein function.

NM_001134407.3(GRIN2A):c.3872C>A (p.Ser1291Tyr)

Gene: GRIN2A (glutamate ionotropic receptor NMDA type subunit 2A; minus strand). Cytogenetic location: 16p13.2.
Variant type: single nucleotide variant.
Coding change: c.3872C>A on transcript NM_001134407.3 (MANE Select); coding-DNA position 3872, C replaced by A.
Protein change: p.Ser1291Tyr; replaces serine 1291 with tyrosine.
Molecular consequence: missense variant. On other transcripts: intron variant (1).
Genome position (GRCh38, 1-based): chr16:9,763,672, G>T on the plus strand (C>A on the coding strand, the complement: GRIN2A is on the minus strand). VCF-style: chr16-9763672-G-T. GRCh37 (hg19) VCF-style: chr16-9857529-G-T.
Other names: c.3872C>A, p.Ser1291Tyr (NM_000833.5); c.3772+100C>A (NM_001134408.2); short protein forms S1291Y.
Identifiers: ClinVar variation 2694643 (VCV002694643.3), dbSNP rs1325032512, ClinGen allele CA394706658.